The following is an entry in ClinVar:

NM_001101362.3(KBTBD13):c.1328T>A (p.Leu443Gln)

Gene: KBTBD13 (kelch repeat and BTB domain containing 13; plus strand). Cytogenetic location: 15q22.31.
Variant type: single nucleotide variant.
Coding change: c.1328T>A on transcript NM_001101362.3 (MANE Select); coding-DNA position 1328, T replaced by A.
Protein change: p.Leu443Gln; replaces leucine 443 with glutamine.
Molecular consequence: missense variant.
Genome position (GRCh38, 1-based): chr15:65,078,143, T>A. VCF-style: chr15-65078143-T-A. GRCh37 (hg19) VCF-style: chr15-65370481-T-A.
Other names: short protein forms L443Q.
Identifiers: ClinVar variation 4802021 (VCV004802021.1).

ClinVar aggregate classification (germline): Uncertain significance (1 of 4 stars; one submission).

Conditions:
Nemaline myopathy 6 (NEM6). Also called: Nemaline myopathy 6, autosomal dominant. Identifiers: Orphanet 171439, MedGen C1836472, MONDO:0012237, OMIM 609273.

gnomAD v4.1: 3 of 1,550,496 alleles (0.00019%); highest among the groups gnomAD compares: African/African-American, 0.0027%; no homozygotes.

Submission:

Labcorp Genetics (formerly Invitae), Labcorp
Classification: Uncertain significance for Nemaline myopathy 6. Last evaluated: 2025-06-05. Review status: criteria provided, single submitter. Criteria: Invitae Variant Classification Sherloc (09022015). Collection method: clinical testing. Allele origin: germline.
Comment: This sequence change replaces leucine, which is neutral and non-polar, with glutamine, which is neutral and polar, at codon 443 of the KBTBD13 protein (p.Leu443Gln). This variant is not present in population databases (gnomAD no frequency). This variant has not been reported in the literature in individuals affected with KBTBD13-related conditions. An algorithm developed to predict the effect of missense changes on protein structure and function (PolyPhen-2) suggests that this variant is likely to be disruptive. In summary, the available evidence is currently insufficient to determine the role of this variant in disease. Therefore, it has been classified as a Variant of Uncertain Significance.